The following is an entry in ClinVar:

ClinVar aggregate classification (germline): Uncertain significance (1 of 4 stars; one submission).

Conditions:
Epilepsy, progressive myoclonic, 1B. Also called: PME. Identifiers: Orphanet 308, MedGen C2676254, MONDO:0012904, OMIM 612437.

Submission:

Labcorp Genetics (formerly Invitae), Labcorp
Classification: Uncertain significance for Epilepsy, progressive myoclonic, 1B. Last evaluated: 2022-07-26. Review status: criteria provided, single submitter. Criteria: Invitae Variant Classification Sherloc (09022015). Collection method: clinical testing. Allele origin: germline.
Comment: This sequence change replaces proline, which is neutral and non-polar, with leucine, which is neutral and non-polar, at codon 808 of the PRICKLE1 protein (p.Pro808Leu). This variant is not present in population databases (gnomAD no frequency). This variant has not been reported in the literature in individuals affected with PRICKLE1-related conditions. ClinVar contains an entry for this variant (Variation ID: 1422114). Algorithms developed to predict the effect of missense changes on protein structure and function are either unavailable or do not agree on the potential impact of this missense change (SIFT: "Deleterious"; PolyPhen-2: "Benign"; Align-GVGD: "Class C0"). In summary, the available evidence is currently insufficient to determine the role of this variant in disease. Therefore, it has been classified as a Variant of Uncertain Significance.

NM_153026.3(PRICKLE1):c.2423C>T (p.Pro808Leu)

Gene: PRICKLE1 (prickle planar cell polarity protein 1; minus strand). Cytogenetic location: 12q12.
Variant type: single nucleotide variant.
Coding change: c.2423C>T on transcript NM_153026.3 (MANE Select); coding-DNA position 2423, C replaced by T.
Protein change: p.Pro808Leu; replaces proline 808 with leucine.
Molecular consequence: missense variant.
Genome position (GRCh38, 1-based): chr12:42,459,882, G>A on the plus strand (C>T on the coding strand, the complement: PRICKLE1 is on the minus strand). VCF-style: chr12-42459882-G-A. GRCh37 (hg19) VCF-style: chr12-42853684-G-A.
Other names: c.2423C>T, p.Pro808Leu (NM_001144881.2, NM_001144882.2, NM_001144883.2); short protein forms P808L.
Identifiers: ClinVar variation 1422114 (VCV001422114.3), dbSNP rs2140084244, ClinGen allele CA384439506.
Genomic context (GRCh38, chr12:42,459,882, plus strand): 5'-CAATTTTTGCCCTTGTGTCCCTTTTTCTTCTTGGATTTTGTTGTCCTCTGACCAAACTGA[G>A]GGGTGGGAAGTGCAGATGGTGGACTAGAAAGGTCATCTGTATAGTAGGCAAATCTCTGTG-3'
Protein context (NP_694571.2, residues 798-818): LSSPPSALPT[Pro808Leu]QFGQRTTKSK